The following is an entry in ClinVar:

NM_001370466.1(NOD2):c.3013G>A (p.Gly1005Ser)

Genes: CYLD-AS1 (CYLD antisense RNA 1; minus strand), NOD2 (nucleotide binding oligomerization domain containing 2; plus strand). Cytogenetic location: 16q12.1.
Variant type: single nucleotide variant.
Coding change: c.3013G>A on transcript NM_001370466.1 (MANE Select); coding-DNA position 3013, G replaced by A.
Protein change: p.Gly1005Ser; replaces glycine 1005 with serine.
Molecular consequence: missense variant. On other transcripts: non-coding transcript variant (1).
Genome position (GRCh38, 1-based): chr16:50,731,790, G>A. VCF-style: chr16-50731790-G-A. GRCh37 (hg19) VCF-style: chr16-50765701-G-A.
Other names: c.3094G>A (LRG_177t1); c.3013G>A, p.Gly1005Ser (NM_001293557.2); c.3094G>A, p.Gly1032Ser (NM_022162.3); short protein forms G1032S, G1005S.
Identifiers: ClinVar variation 319475 (VCV000319475.19), dbSNP rs147874812, ClinGen allele CA8052076.

ClinVar aggregate classification (germline): Conflicting classifications of pathogenicity. Review status: criteria provided, conflicting classifications (1 of 4 stars). 4 submissions from 3 submitters: Uncertain significance (1); Benign (1); Likely benign (2). Last evaluated 2026-03-03.

Conditions:
NOD2-related disorder. Also called: NOD2-related condition.
Inflammatory bowel disease 1 (IBD1). Also called: Inflammatory bowel disease 1, Crohn disease; INFLAMMATORY BOWEL DISEASE (CROHN DISEASE) 1. Identifiers: MedGen CN260071, MONDO:0009960, OMIM 266600.
Blau syndrome (BLAUS). Also called: ARTHROCUTANEOUVEAL GRANULOMATOSIS; GRANULOMATOSIS, FAMILIAL JUVENILE SYSTEMIC; GRANULOMATOSIS, FAMILIAL, BLAU TYPE; GRANULOMATOUS INFLAMMATORY ARTHRITIS, DERMATITIS, AND UVEITIS, FAMILIAL; JABS SYNDROME. Identifiers: Orphanet 90340, MedGen C5201146, MONDO:0008523, OMIM 186580.
Regional enteritis. Also called: Enteritis, Granulomatous. Identifiers: MedGen C0678202, MeSH D003424.

Allele frequency attached by ClinVar (database versions not stated): gnomAD exomes 0.00006 and 0.00012; ExAC 0.00014; 1000 Genomes Project 0.00020; ESP Exome Variant Server 0.00031; gnomAD 0.00044 and 0.00046; 1000 Genomes Project 30x 0.00047; TOPMed 0.00049.
gnomAD v4.1: 154 of 1,613,838 alleles (0.0095%); highest among the groups gnomAD compares: African/African-American, 0.17%; no homozygotes.

Submissions (4):

PreventionGenetics, part of Exact Sciences
Classification: Likely benign for NOD2-related condition. Last evaluated: 2026-03-03. Review status: criteria provided, single submitter. Criteria: ACMG Guidelines, 2015. Collection method: clinical testing. Allele origin: germline.
Comment: This variant is classified as likely benign based on ACMG/AMP sequence variant interpretation guidelines (Richards et al. 2015 PMID: 25741868, with internal and published modifications).

Labcorp Genetics (formerly Invitae), Labcorp
Classification: Likely benign for Regional enteritis; Blau syndrome. Last evaluated: 2026-01-25. Review status: criteria provided, single submitter. Criteria: Invitae Variant Classification Sherloc (09022015). Collection method: clinical testing. Allele origin: germline.

Illumina Laboratory Services, Illumina
Classification: Benign for Blau syndrome. Last evaluated: 2018-01-12. Review status: criteria provided, single submitter. Criteria: ICSL Variant Classification Criteria 13 December 2019. Collection method: clinical testing. Allele origin: germline.
Comment: This variant was observed in the ICSL laboratory as part of a predisposition screen in an ostensibly healthy population. It had not been previously curated by ICSL or reported in the Human Gene Mutation Database (HGMD: prior to June 1st, 2018), and was therefore a candidate for classification through an automated scoring system. Utilizing variant allele frequency, disease prevalence and penetrance estimates, and inheritance mode, an automated score was calculated to assess if this variant is too frequent to cause the disease. Based on the score and internal cut-off values, a variant classified as benign is not then subjected to further curation. The score for this variant resulted in a classification of benign for this disease.

Illumina Laboratory Services, Illumina
Classification: Uncertain significance for Inflammatory bowel disease 1. Last evaluated: 2018-01-12. Review status: criteria provided, single submitter. Criteria: ICSL Variant Classification Criteria 13 December 2019. Collection method: clinical testing. Allele origin: germline.